The following is an entry in ClinVar:

NM_006734.4(HIVEP2):c.6979C>T (p.Gln2327Ter)

Gene: HIVEP2 (HIVEP zinc finger 2; minus strand). Cytogenetic location: 6q24.2.
Variant type: single nucleotide variant.
Coding change: c.6979C>T on transcript NM_006734.4 (MANE Select); coding-DNA position 6979, C replaced by T.
Protein change: p.Gln2327Ter; replaces glutamine 2327 with a stop codon.
Molecular consequence: nonsense.
Genome position (GRCh38, 1-based): chr6:142,753,469, G>A on the plus strand (C>T on the coding strand, the complement: HIVEP2 is on the minus strand). VCF-style: chr6-142753469-G-A. GRCh37 (hg19) VCF-style: chr6-143074606-G-A.
Other names: c.6979C>T, p.Gln2327Ter (NM_001438449.1, NM_001438450.1, NM_001438451.1); short protein forms Q2327*.
Identifiers: ClinVar variation 4291945 (VCV004291945.1).

ClinVar aggregate classification (germline): Uncertain significance (1 of 4 stars; one submission).

Conditions:
Intellectual developmental disorder, autosomal dominant 43. Also called: Intellectual disability, autosomal dominant 43. Identifiers: MedGen C4707429, MONDO:0014858, OMIM 616977.

Submission:

3billion
Classification: Uncertain significance for Intellectual developmental disorder, autosomal dominant 43. Last evaluated: 2024-07-03. Review status: criteria provided, single submitter. Criteria: ACMG Guidelines, 2015. Collection method: clinical testing. Allele origin: germline. Affected: yes.
Comment: The variant is not observed in the gnomAD v4.0.0 dataset. Predicted Consequence/Location: Stop-gained (nonsense): predicted to result in a loss or disruption of normal protein function through protein truncation. The predicted truncated protein may be shortened by less than 10%. Therefore, this variant is classified as VUS according to the recommendation of ACMG/AMP guideline.